The following is an entry in ClinVar:

NM_003954.5(MAP3K14):c.1833G>T (p.Glu611Asp)

Gene: MAP3K14 (mitogen-activated protein kinase kinase kinase 14; minus strand). Cytogenetic location: 17q21.31.
Variant type: single nucleotide variant.
Coding change: c.1833G>T on transcript NM_003954.5 (MANE Select); coding-DNA position 1833, G replaced by T.
Protein change: p.Glu611Asp; replaces glutamic acid 611 with aspartic acid.
Molecular consequence: missense variant.
Genome position (GRCh38, 1-based): chr17:45,270,552, C>A on the plus strand (G>T on the coding strand, the complement: MAP3K14 is on the minus strand). VCF-style: chr17-45270552-C-A. GRCh37 (hg19) VCF-style: chr17-43347919-C-A.
Other names: short protein forms E611D.
Identifiers: ClinVar variation 1350783 (VCV001350783.6), dbSNP rs2143782753, ClinGen allele CA399879106.

ClinVar aggregate classification (germline): Uncertain significance (1 of 4 stars; one submission).

Conditions:
NIK deficiency. Also called: Primary immunodeficiency with multifaceted aberrant lymphoid immunity. Identifiers: Orphanet 447731, MedGen C5680065, MONDO:0018642.

Submission:

Labcorp Genetics (formerly Invitae), Labcorp
Classification: Uncertain significance for NIK deficiency. Last evaluated: 2021-05-04. Review status: criteria provided, single submitter. Criteria: Invitae Variant Classification Sherloc (09022015). Collection method: clinical testing. Allele origin: germline.
Comment: In summary, the available evidence is currently insufficient to determine the role of this variant in disease. Therefore, it has been classified as a Variant of Uncertain Significance. This sequence change replaces glutamic acid with aspartic acid at codon 611 of the MAP3K14 protein (p.Glu611Asp). The glutamic acid residue is highly conserved and there is a small physicochemical difference between glutamic acid and aspartic acid. Experimental studies and prediction algorithms are not available or were not evaluated, and the functional significance of this variant is currently unknown. This variant has not been reported in the literature in individuals with MAP3K14-related conditions. This variant is not present in population databases (ExAC no frequency).